The following is an entry in ClinVar:

ClinVar aggregate classification (germline): Benign/Likely benign. Review status: criteria provided, multiple submitters, no conflicts (2 of 4 stars). 6 submissions from 6 submitters: Benign (2); Likely benign (3). 1 of the submissions does not count toward it. Last evaluated 2026-01-11.

Conditions:
COL2A1-related disorder. Also called: COL2A1-related condition; COL2A1-related disorders.

Allele frequency attached by ClinVar (database versions not stated): gnomAD exomes 0.00007 and 0.00013; ESP Exome Variant Server 0.00008; gnomAD 0.00010 and 0.00013; TOPMed 0.00010; ExAC 0.00014; 1000 Genomes Project 0.00020; 1000 Genomes Project 30x 0.00031.
gnomAD v4.1: 125 of 1,613,874 alleles (0.0077%); highest among the groups gnomAD compares: Middle Eastern, 0.13%; 4 homozygotes.

Submissions (6):

Labcorp Genetics (formerly Invitae), Labcorp
Classification: Benign. Last evaluated: 2026-01-11. Review status: criteria provided, single submitter. Criteria: Invitae Variant Classification Sherloc (09022015). Collection method: clinical testing. Allele origin: germline.

Blueprint Genetics
Classification: Likely benign. Last evaluated: 2024-07-22. Review status: criteria provided, single submitter. Criteria: ACMG Guidelines, 2015. Collection method: clinical testing. Allele origin: germline.

Women's Health and Genetics/Laboratory Corporation of America, LabCorp
Classification: Benign. Last evaluated: 2023-10-12. Review status: criteria provided, single submitter. Criteria: LabCorp Variant Classification Summary - May 2015. Collection method: clinical testing. Allele origin: germline.
Comment: Variant summary: COL2A1 c.1996-10C>T alters a non-conserved nucleotide located at a position not widely known to affect splicing. Consensus agreement among computation tools predict no significant impact on normal splicing. However, these predictions have yet to be confirmed by functional studies. The variant allele was found at a frequency of 0.00013 in 250756 control chromosomes, predominantly at a frequency of 0.00039 within the South Asian subpopulation in the gnomAD database. The observed variant frequency within South Asian control individuals in the gnomAD database is approximately 31 fold of the estimated maximal expected allele frequency for a pathogenic variant in COL2A1 causing Achondrogenesis, Type II phenotype (1.3e-05), strongly suggesting that the variant is a benign polymorphism found primarily in populations of South Asian origin. To our knowledge, no occurrence of c.1996-10C>T in individuals affected with Achondrogenesis, Type II and no experimental evidence demonstrating its impact on protein function have been reported. Two submitters have cited clinical-significance assessments for this variant to ClinVar after 2014. All submitters classified the variant as benign/likely benign. Based on the evidence outlined above, the variant was classified as benign.

GeneDx
Classification: Likely benign. Last evaluated: 2021-03-10. Review status: criteria provided, single submitter. Criteria: GeneDx Variant Classification Process June 2021. Collection method: clinical testing. Allele origin: germline. Affected: yes.

Breakthrough Genomics
Classification: Likely benign. Review status: criteria provided, single submitter. Criteria: ACMG Guidelines, 2015. Collection method: not provided. Allele origin: germline. Inheritance: Autosomal dominant inheritance. Affected: yes.

PreventionGenetics, part of Exact Sciences
Classification: Likely benign for COL2A1-related condition. Last evaluated: 2019-10-17. Review status: no assertion criteria provided. Collection method: clinical testing. Allele origin: germline. Not counted in ClinVar's aggregate classification.
Comment: This variant is classified as likely benign based on ACMG/AMP sequence variant interpretation guidelines (Richards et al. 2015 PMID: 25741868, with internal and published modifications).

NM_001844.5(COL2A1):c.1996-10C>T

Gene: COL2A1 (collagen type II alpha 1 chain; minus strand). Cytogenetic location: 12q13.11.
Variant type: single nucleotide variant.
Coding change: c.1996-10C>T on transcript NM_001844.5 (MANE Select); 10 bases into the intron before coding-DNA position 1996, C replaced by T.
Molecular consequence: intron variant.
Genome position (GRCh38, 1-based): chr12:47,983,448, G>A on the plus strand (C>T on the coding strand, the complement: COL2A1 is on the minus strand). VCF-style: chr12-47983448-G-A. GRCh37 (hg19) VCF-style: chr12-48377231-G-A.
Other names: c.1789-10C>T (NM_033150.3).
Identifiers: ClinVar variation 765601 (VCV000765601.17), dbSNP rs144804336, ClinGen allele CA6535286.